The following is an entry in ClinVar:

NC_000023.11:g.(?_31819965)_(32217073_?)del

Genes: DMD (dystrophin; minus strand), LOC129391296 (MPRA-validated peak7373 silencer; plus strand), LOC129391297 (MPRA-validated peak7374 silencer; plus strand). Cytogenetic location: Xp21.1.
Variant type: Deletion.
Identifiers: ClinVar variation 651817 (VCV000651817.1).

ClinVar aggregate classification (germline): Pathogenic (1 of 4 stars; one submission).

Conditions:
Duchenne muscular dystrophy (DMD). Also called: MUSCULAR DYSTROPHY, PSEUDOHYPERTROPHIC PROGRESSIVE, DUCHENNE TYPE; Duchenne Muscular Dystrophy (DMD). Identifiers: Orphanet 98896, MedGen C0013264, MONDO:0010679, OMIM 310200.

Submission:

Labcorp Genetics (formerly Invitae), Labcorp
Classification: Pathogenic for Duchenne muscular dystrophy. Last evaluated: 2018-09-28. Review status: criteria provided, single submitter. Criteria: Invitae Variant Classification Sherloc (09022015). Collection method: clinical testing. Allele origin: germline.
Comment: This variant is an out-of-frame deletion of the genomic region encompassing exons 44-50 of the DMD gene. This is expected to create a premature translational stop signal and result in an absent or disrupted protein product. A similar deletion of exons 44-50 has been reported in an individual affected with DMD-related muscular dystrophy (PMID: 11409318). Loss-of-function variants in DMD are known to be pathogenic (PMID: 16770791, 25007885). For these reasons, this variant has been classified as Pathogenic.

Literature cited by the submitters: PubMed 11409318.